The following is an entry in ClinVar:

NM_003060.4(SLC22A5):c.719C>T (p.Ala240Val)

Gene: SLC22A5 (solute carrier family 22 member 5; plus strand). Cytogenetic location: 5q31.1.
Variant type: single nucleotide variant.
Coding change: c.719C>T on transcript NM_003060.4 (MANE Select); coding-DNA position 719, C replaced by T.
Protein change: p.Ala240Val; replaces alanine 240 with valine.
Molecular consequence: missense variant.
Genome position (GRCh38, 1-based): chr5:132,385,394, C>T. VCF-style: chr5-132385394-C-T. GRCh37 (hg19) VCF-style: chr5-131721086-C-T.
Other names: c.791C>T, p.Ala264Val (NM_001308122.2); short protein forms A240V, A264V.
Identifiers: ClinVar variation 2089658 (VCV002089658.4), dbSNP rs1482019839, ClinGen allele CA360805071.
Genomic context (GRCh38, chr5:132,385,394, plus strand): 5'-AAATTCTTGGCAAGTCAGTTCGTATAATATTCTCTACGTTAGGAGTGTGCATATTTTATG[C>T]ATTTGGCTACATGGTGCTGCCACTGTTTGCTTACTTCATCCGAGACTGGCGGATGCTGCT-3'
Protein context (NP_003051.1, residues 230-250): FSTLGVCIFY[Ala240Val]FGYMVLPLFA

ClinVar aggregate classification (germline): Likely pathogenic (1 of 4 stars; one submission).

Conditions:
Renal carnitine transport defect (CDSP). Also called: Carnitine transporter deficiency; Carnitine Deficiency, Systemic; Primary carnitine deficiency; Systemic primary carnitine deficiency; Systemic primary carnitine deficiency disease; CARNITINE DEFICIENCY, SYSTEMIC, DUE TO DEFECT IN RENAL REABSORPTION OF CARNITINE. Identifiers: Orphanet 158, MedGen C0342788, MONDO:0008919, OMIM 212140.

Allele frequency attached by ClinVar (database versions not stated): TOPMed below 0.00001; gnomAD 0.00001.

Submission:

Labcorp Genetics (formerly Invitae), Labcorp
Classification: Likely pathogenic for Renal carnitine transport defect. Last evaluated: 2025-08-17. Review status: criteria provided, single submitter. Criteria: Invitae Variant Classification Sherloc (09022015). Collection method: clinical testing. Allele origin: germline.
Comment: This sequence change replaces alanine, which is neutral and non-polar, with valine, which is neutral and non-polar, at codon 240 of the SLC22A5 protein (p.Ala240Val). This variant is not present in population databases (gnomAD no frequency). This missense change has been observed in individual(s) with clinical features of primary carnitine deficiency (internal data). In at least one individual the data is consistent with being in trans (on the opposite chromosome) from a pathogenic variant. ClinVar contains an entry for this variant (Variation ID: 2089658). Invitae Evidence Modeling of protein sequence and biophysical properties (such as structural, functional, and spatial information, amino acid conservation, physicochemical variation, residue mobility, and thermodynamic stability) indicates that this missense variant is expected to disrupt SLC22A5 protein function with a positive predictive value of 95%. In summary, the currently available evidence indicates that the variant is pathogenic, but additional data are needed to prove that conclusively. Therefore, this variant has been classified as Likely Pathogenic.